The following is an entry in ClinVar:

NM_017654.4(SAMD9):c.2183C>G (p.Thr728Arg)

Gene: SAMD9 (sterile alpha motif domain containing 9; minus strand). Cytogenetic location: 7q21.2.
Variant type: single nucleotide variant.
Coding change: c.2183C>G on transcript NM_017654.4 (MANE Select); coding-DNA position 2183, C replaced by G.
Protein change: p.Thr728Arg; replaces threonine 728 with arginine.
Molecular consequence: missense variant.
Genome position (GRCh38, 1-based): chr7:93,103,915, G>C on the plus strand (C>G on the coding strand, the complement: SAMD9 is on the minus strand). VCF-style: chr7-93103915-G-C. GRCh37 (hg19) VCF-style: chr7-92733228-G-C.
Other names: c.2183C>G, p.Thr728Arg (NM_001193307.2); short protein forms T728R.
Identifiers: ClinVar variation 3949507 (VCV003949507.1).

ClinVar aggregate classification (germline): Uncertain significance (1 of 4 stars; one submission).

Conditions:
Inborn genetic diseases. Identifiers: MedGen C0950123, MeSH D030342.

gnomAD v4.1: 1 of 1,613,888 alleles (0.000062%); highest among the groups gnomAD compares: Non-Finnish European, 0.000085%; no homozygotes.

Submission:

Ambry Genetics
Classification: Uncertain significance for Inborn genetic diseases. Last evaluated: 2025-04-03. Review status: criteria provided, single submitter. Criteria: Ambry Variant Classification Scheme 2023. Collection method: clinical testing. Allele origin: germline.
Comment: The p.T728R variant (also known as c.2183C>G), located in coding exon 1 of the SAMD9 gene, results from a C to G substitution at nucleotide position 2183. The threonine at codon 728 is replaced by arginine, an amino acid with similar properties. This amino acid position is conserved. In addition, this alteration is predicted to be tolerated by in silico analysis. Based on the available evidence, the clinical significance of this variant remains unclear.